The following is an entry in ClinVar:

ClinVar aggregate classification (germline): Uncertain significance (1 of 4 stars; one submission).

Submission:

Labcorp Genetics (formerly Invitae), Labcorp
Classification: Uncertain significance. Last evaluated: 2023-08-17. Review status: criteria provided, single submitter. Criteria: Invitae Variant Classification Sherloc (09022015). Collection method: clinical testing. Allele origin: germline.
Comment: This variant, c.1918_1920del, results in the deletion of 1 amino acid(s) of the ANKZF1 protein (p.Glu640del), but otherwise preserves the integrity of the reading frame. This variant is present in population databases (rs764818892, gnomAD 0.01%). This variant has not been reported in the literature in individuals affected with ANKZF1-related conditions. Experimental studies and prediction algorithms are not available or were not evaluated, and the functional significance of this variant is currently unknown. In summary, the available evidence is currently insufficient to determine the role of this variant in disease. Therefore, it has been classified as a Variant of Uncertain Significance.

NM_018089.3(ANKZF1):c.1915GAG[1] (p.Glu640del)

Gene: ANKZF1 (ankyrin repeat and zinc finger peptidyl tRNA hydrolase 1; plus strand). Cytogenetic location: 2q35.
Variant type: Microsatellite.
Coding change: c.1915GAG[1] on transcript NM_018089.3 (MANE Select); one copy of the 3-base unit GAG starting at c.1915; the reference has two copies in a row; one copy, 3 bases deleted.
Protein change: p.Glu640del; deletes glutamic acid 640.
Molecular consequence: inframe deletion.
Genome position (GRCh38, 1-based): chr2:219,235,822-219,235,824, GAG deleted; deleting any 3 consecutive bases within chr2:219,235,817-219,235,824 gives the same sequence; the position shown is the placement nearest the transcript's 3' end. VCF-style (leftmost placement, unchanged base first): chr2-219235816-CAGG-C. GRCh37 (hg19) VCF-style: chr2-220100538-CAGG-C.
Other names: c.1915GAG[1], p.Glu640del (NM_001042410.2); c.1285GAG[1], p.Glu430del (NM_001282792.2); short protein forms E430del, E640del.
Identifiers: ClinVar variation 2743039 (VCV002743039.3), dbSNP rs764818892, ClinGen allele CA2121225.